The following is an entry in ClinVar:

NM_004281.4(BAG3):c.-284G>C

Gene: BAG3 (BAG cochaperone 3; plus strand). Cytogenetic location: 10q26.11.
Variant type: single nucleotide variant.
Coding change: c.-284G>C on transcript NM_004281.4 (MANE Select); 284 bases upstream of the start codon, G replaced by C.
Molecular consequence: 5 prime UTR variant.
Genome position (GRCh38, 1-based): chr10:119,651,392, G>C. VCF-style: chr10-119651392-G-C. GRCh37 (hg19) VCF-style: chr10-121410904-G-C.
Identifiers: ClinVar variation 298951 (VCV000298951.8), dbSNP rs192502283, ClinGen allele CA10635034.

ClinVar aggregate classification (germline): Conflicting classifications of pathogenicity. Review status: criteria provided, conflicting classifications (1 of 4 stars). 3 submissions from 2 submitters: Uncertain significance (1); Benign (1); Likely benign (1). Last evaluated 2018-06-26.

Conditions:
Myofibrillar myopathy 6. Identifiers: Orphanet 199340, MedGen C2751831, MONDO:0013061, OMIM 612954.
Dilated cardiomyopathy 1HH (CMD1HH). Identifiers: Orphanet 154, MedGen C3151293, MONDO:0013479, OMIM 613881.

Allele frequency attached by ClinVar (database versions not stated): 1000 Genomes Project 0.00659; 1000 Genomes Project 30x 0.00781; gnomAD 0.01017 and 0.01069; TOPMed 0.01186; gnomAD exomes 0.01334.
gnomAD v4.1: 3,755 of 313,120 alleles (1.2%); highest among the groups gnomAD compares: Middle Eastern, 3%; 29 homozygotes.

Submissions (3):

GeneDx
Classification: Likely benign. Last evaluated: 2018-06-26. Review status: criteria provided, single submitter. Criteria: GeneDx Variant Classification Process June 2021. Collection method: clinical testing. Allele origin: germline. Affected: yes.

Illumina Laboratory Services, Illumina
Classification: Benign for Myofibrillar myopathy 6. Last evaluated: 2018-01-13. Review status: criteria provided, single submitter. Criteria: ICSL Variant Classification Criteria 13 December 2019. Collection method: clinical testing. Allele origin: germline.
Comment: This variant was observed in the ICSL laboratory as part of a predisposition screen in an ostensibly healthy population. It had not been previously curated by ICSL or reported in the Human Gene Mutation Database (HGMD: prior to June 1st, 2018), and was therefore a candidate for classification through an automated scoring system. Utilizing variant allele frequency, disease prevalence and penetrance estimates, and inheritance mode, an automated score was calculated to assess if this variant is too frequent to cause the disease. Based on the score and internal cut-off values, a variant classified as benign is not then subjected to further curation. The score for this variant resulted in a classification of benign for this disease.

Illumina Laboratory Services, Illumina
Classification: Uncertain significance for Dilated cardiomyopathy 1HH. Last evaluated: 2018-01-13. Review status: criteria provided, single submitter. Criteria: ICSL Variant Classification Criteria 13 December 2019. Collection method: clinical testing. Allele origin: germline.